The following is an entry in ClinVar:

ClinVar aggregate classification (germline): Likely benign (1 of 4 stars; one submission).

Conditions:
TNRC6B-related disorder. Also called: TNRC6B-related condition.

gnomAD v4.1: 13 of 1,610,266 alleles (0.00081%); highest among the groups gnomAD compares: African/African-American, 0.004%; no homozygotes.

Submission:

PreventionGenetics, part of Exact Sciences
Classification: Likely benign for TNRC6B-related condition. Last evaluated: 2025-02-27. Review status: criteria provided, single submitter. Criteria: ACMG Guidelines, 2015. Collection method: clinical testing. Allele origin: germline.
Comment: This variant is classified as likely benign based on ACMG/AMP sequence variant interpretation guidelines (Richards et al. 2015 PMID: 25741868, with internal and published modifications).

NM_001162501.2(TNRC6B):c.513G>A (p.Ser171=)

Gene: TNRC6B (trinucleotide repeat containing adaptor 6B; plus strand). Cytogenetic location: 22q13.1.
Variant type: single nucleotide variant.
Coding change: c.513G>A on transcript NM_001162501.2 (MANE Select); coding-DNA position 513, G replaced by A.
Protein change: p.Ser171=; no amino-acid change (serine 171 retained).
Molecular consequence: synonymous variant. On other transcripts: intron variant (1).
Genome position (GRCh38, 1-based): chr22:40,264,743, G>A. VCF-style: chr22-40264743-G-A. GRCh37 (hg19) VCF-style: chr22-40660747-G-A.
Other names: c.513G>A, p.Ser171= (NM_015088.3); c.565+2570G>A (NM_001024843.2).
Identifiers: ClinVar variation 4981135 (VCV004981135.1).